The following is an entry in ClinVar:

ClinVar aggregate classification (germline): Pathogenic/Likely pathogenic. Review status: criteria provided, multiple submitters, no conflicts (2 of 4 stars). 3 submissions from 3 submitters: Pathogenic (2); Likely pathogenic (1). Last evaluated 2026-01-13.

Conditions:
GNAS-associated disease.
GNAS-related disorder. Identifiers: MedGen CN380105.

Submissions (3):

Labcorp Genetics (formerly Invitae), Labcorp
Classification: Pathogenic. Last evaluated: 2026-01-13. Review status: criteria provided, single submitter. Criteria: Invitae Variant Classification Sherloc (09022015). Collection method: clinical testing. Allele origin: germline.
Comment: This sequence change replaces isoleucine, which is neutral and non-polar, with threonine, which is neutral and polar, at codon 106 of the GNAS protein (p.Ile106Thr). This variant is not present in population databases (gnomAD no frequency). This missense change has been observed in individual(s) with pseudohypoparathyroidism and/or pseudopseudohypoparathyroidism (PMID: 21340160, 23884777). In at least one individual the variant was observed to be de novo. This variant is also known as c.320T>C (p.Ile107Thr). ClinVar contains an entry for this variant (Variation ID: 2138360). Invitae Evidence Modeling of protein sequence and biophysical properties (such as structural, functional, and spatial information, amino acid conservation, physicochemical variation, residue mobility, and thermodynamic stability) indicates that this missense variant is expected to disrupt GNAS protein function with a positive predictive value of 80%. This variant disrupts the p.Ile106 amino acid residue in GNAS. Other variant(s) that disrupt this residue have been observed in individuals with GNAS-related conditions (PMID: 15817905, 21340160, 23884777; internal data), which suggests that this may be a clinically significant amino acid residue. For these reasons, this variant has been classified as Pathogenic.

Institute of Human Genetics, Heidelberg University
Classification: Likely pathogenic for GNAS-associated disease. Last evaluated: 2024-08-23. Review status: criteria provided, single submitter. Criteria: ACMG Guidelines, 2015. Collection method: clinical testing. Allele origin: de novo. Affected: yes.

Blueprint Genetics
Classification: Pathogenic for GNAS-related disorders. Last evaluated: 2023-05-17. Review status: criteria provided, single submitter. Criteria: ACMG Guidelines, 2015. Collection method: clinical testing. Allele origin: germline. Affected: yes. Observed: 1 variant allele.

Literature cited by the submitters: PubMed 21340160 (cited by Labcorp Genetics (formerly Invitae), Labcorp); PubMed 23884777 (cited by Labcorp Genetics (formerly Invitae), Labcorp); PubMed 15817905 (cited by Labcorp Genetics (formerly Invitae), Labcorp).

NM_000516.7(GNAS):c.317T>C (p.Ile106Thr)

Gene: GNAS (GNAS complex locus; plus strand). Cytogenetic location: 20q13.32.
Variant type: single nucleotide variant.
Coding change: c.317T>C on transcript NM_000516.7 (MANE Select); coding-DNA position 317, T replaced by C.
Protein change: p.Ile106Thr; replaces isoleucine 106 with threonine.
Molecular consequence: missense variant. On other transcripts: 3 prime UTR variant (2).
Genome position (GRCh38, 1-based): chr20:58,903,676, T>C. VCF-style: chr20-58903676-T-C. GRCh37 (hg19) VCF-style: chr20-57478731-T-C.
Other names: c.320T>C, p.Ile107Thr (NM_001077488.5); c.272T>C, p.Ile91Thr (NM_001077489.4); c.*178T>C (NM_001077490.3); c.140T>C, p.Ile47Thr (NM_001309840.2, NM_001309861.2); c.221T>C, p.Ile74Thr (NM_001410912.1); c.2201T>C, p.Ile734Thr (NM_001410913.1); c.*223T>C (NM_016592.5); c.2246T>C, p.Ile749Thr (NM_080425.4); and 1 more; short protein forms I107T, I734T, I92T, I106T, I47T, I749T, I74T, I91T.
Identifiers: ClinVar variation 2138360 (VCV002138360.7), dbSNP rs2517082005, ClinGen allele CA409450359.
Genomic context (GRCh38, chr20:58,903,676, plus strand): 5'-TGTAGCGCCCTCCCAGCCAGTGCTGTTCCCTGACCGCTTTGCTAAATCATTTTCAGACCA[T>C]TGTGGCCGCCATGAGCAACCTGGTGCCCCCCGTGGAGCTGGCCAACCCCGAGAACCAGTT-3'
Protein context (NP_000507.1, residues 96-116): KNNLKEAIET[Ile106Thr]VAAMSNLVPP